The following is an entry in ClinVar:

NM_004974.4(KCNA2):c.1422G>C (p.Glu474Asp)

Gene: KCNA2 (potassium voltage-gated channel subfamily A member 2; minus strand). Cytogenetic location: 1p13.3.
Variant type: single nucleotide variant.
Coding change: c.1422G>C on transcript NM_004974.4 (MANE Select); coding-DNA position 1422, G replaced by C.
Protein change: p.Glu474Asp; replaces glutamic acid 474 with aspartic acid.
Molecular consequence: missense variant. On other transcripts: intron variant (1).
Genome position (GRCh38, 1-based): chr1:110,603,361, C>G on the plus strand (G>C on the coding strand, the complement: KCNA2 is on the minus strand). VCF-style: chr1-110603361-C-G. GRCh37 (hg19) VCF-style: chr1-111145983-C-G.
Other names: c.894+528G>C (NM_001204269.2); short protein forms E474D.
Identifiers: ClinVar variation 3692652 (VCV003692652.2).

ClinVar aggregate classification (germline): Uncertain significance (1 of 4 stars; one submission).

Conditions:
Developmental and epileptic encephalopathy, 32 (DEE32). Also called: Epileptic encephalopathy, early infantile, 32. Identifiers: Orphanet 442835, MedGen C4225350, MONDO:0014607, OMIM 616366.

gnomAD v4.1: 1 of 1,613,968 alleles (0.000062%); highest among the groups gnomAD compares: Non-Finnish European, 0.000085%; no homozygotes.

Submission:

Labcorp Genetics (formerly Invitae), Labcorp
Classification: Uncertain significance for Developmental and epileptic encephalopathy, 32. Last evaluated: 2024-11-27. Review status: criteria provided, single submitter. Criteria: Invitae Variant Classification Sherloc (09022015). Collection method: clinical testing. Allele origin: germline.
Comment: This sequence change replaces glutamic acid, which is acidic and polar, with aspartic acid, which is acidic and polar, at codon 474 of the KCNA2 protein (p.Glu474Asp). This variant is not present in population databases (gnomAD no frequency). This variant has not been reported in the literature in individuals affected with KCNA2-related conditions. Invitae Evidence Modeling of protein sequence and biophysical properties (such as structural, functional, and spatial information, amino acid conservation, physicochemical variation, residue mobility, and thermodynamic stability) indicates that this missense variant is not expected to disrupt KCNA2 protein function with a negative predictive value of 95%. In summary, the available evidence is currently insufficient to determine the role of this variant in disease. Therefore, it has been classified as a Variant of Uncertain Significance.